The following is an entry in ClinVar:

NM_004360.5(CDH1):c.-2C>T

Gene: CDH1 (cadherin 1; plus strand). Cytogenetic location: 16q22.1.
Variant type: single nucleotide variant.
Coding change: c.-2C>T on transcript NM_004360.5 (MANE Select); 2 bases upstream of the start codon, C replaced by T.
Molecular consequence: 5 prime UTR variant.
Genome position (GRCh38, 1-based): chr16:68,737,414, C>T. VCF-style: chr16-68737414-C-T. GRCh37 (hg19) VCF-style: chr16-68771317-C-T.
Other names: c.-2C>T (NM_001317184.2); c.-1617C>T (NM_001317185.2); c.-1821C>T (NM_001317186.2).
Identifiers: ClinVar variation 628145 (VCV000628145.13), dbSNP rs1567470707, ClinGen allele CA913188708.

ClinVar aggregate classification (germline): Conflicting classifications of pathogenicity. Review status: criteria provided, conflicting classifications (1 of 4 stars). 4 submissions from 4 submitters: Uncertain significance (3); Likely benign (1). Last evaluated 2024-12-05.

Conditions:
Hereditary cancer-predisposing syndrome. Also called: Neoplastic Syndromes, Hereditary; Tumor predisposition; Hereditary neoplastic syndrome; Hereditary Cancer Syndrome. Identifiers: Orphanet 140162, MedGen C0027672, MeSH D009386, MONDO:0015356.

Allele frequency attached by ClinVar (database versions not stated): gnomAD exomes below 0.00001.
gnomAD v4.1: 1 of 1,533,250 alleles (0.000065%); highest among the groups gnomAD compares: Non-Finnish European, 0.000087%; no homozygotes.

Submissions (4):

Ambry Genetics
Classification: Uncertain significance for Hereditary cancer-predisposing syndrome. Last evaluated: 2024-12-05. Review status: criteria provided, single submitter. Criteria: Ambry Variant Classification Scheme 2023. Collection method: clinical testing. Allele origin: germline.
Comment: The c.-2C>T variant is located in the 5' untranslated region (5&rsquo; UTR) of the CDH1 gene. This variant results from a C to T substitution 2 bases upstream from the first translated codon. This nucleotide position is well conserved in available vertebrate species. Based on the available evidence, the clinical significance of this variant remains unclear.

Color Diagnostics, LLC DBA Color Health
Classification: Uncertain significance for Hereditary cancer-predisposing syndrome. Last evaluated: 2019-11-08. Review status: criteria provided, single submitter. Criteria: ACMG Guidelines, 2015. Collection method: clinical testing. Allele origin: germline.
Comment: This variant is located in the 5’ untranslated region of the CDH1 gene. Splice site prediction tools suggest that this variant may not impact RNA splicing. To our knowledge, functional studies have not been performed for this variant. This variant has not been reported in individuals affected with hereditary cancer in the literature. This variant has not been identified in the general population by the Genome Aggregation Database (gnomAD). The available evidence is insufficient to determine the role of this variant in disease conclusively. Therefore, this variant is classified as a Variant of Uncertain Significance.

GeneDx
Classification: Likely benign. Last evaluated: 2018-07-12. Review status: criteria provided, single submitter. Criteria: GeneDx Variant Classification Process June 2021. Collection method: clinical testing. Allele origin: germline. Affected: yes.

Women's Health and Genetics/Laboratory Corporation of America, LabCorp
Classification: Uncertain significance. Last evaluated: 2017-11-03. Review status: criteria provided, single submitter. Criteria: LabCorp Variant Classification Summary - May 2015. Collection method: clinical testing. Allele origin: germline.
Comment: Variant summary: The CDH1 c.-2C>T variant involves the alteration of a non-conserved nucleotide. One in silico tool predicts a damaging outcome for this variant. 5/5 splice prediction tools predict no significant impact on normal splicing. However, these predictions have yet to be confirmed by functional studies. This variant is absent in 123564 control chromosomes. The variant of interest has not, to our knowledge, been reported in affected individuals via publications and/or reputable databases/clinical diagnostic laboratories; nor evaluated for functional impact by in vivo/vitro studies. Because of the absence of clinical information and the lack of functional studies, the variant is classified as a variant of uncertain significance (VUS) until additional information becomes available.